The following is an entry in ClinVar:

ClinVar aggregate classification (germline): Benign/Likely benign. Review status: criteria provided, multiple submitters, no conflicts (2 of 4 stars). 16 submissions from 16 submitters: Benign (5); Likely benign (10). 1 of the submissions does not count toward it. Last evaluated 2026-02-03.

Conditions:
Hereditary cancer-predisposing syndrome. Also called: Tumor predisposition; Hereditary neoplastic syndrome; Hereditary Cancer Syndrome; Neoplastic Syndromes, Hereditary. Identifiers: Orphanet 140162, MedGen C0027672, MeSH D009386, MONDO:0015356.
Familial cancer of breast. Also called: Hereditary breast cancer; hereditary breast carcinoma; BREAST CANCER, FAMILIAL. Identifiers: Orphanet 227535, MedGen C0346153, MONDO:0016419, OMIM 114480. Disease mechanism: loss of function.
Ataxia-telangiectasia syndrome (AT). Also called: ATAXIA-TELANGIECTASIA, COMPLEMENTATION GROUP A; ATAXIA-TELANGIECTASIA, FRESNO VARIANT; Ataxia-telangiectasia; Ataxia-telangiectasia, complementation group D; AT, COMPLEMENTATION GROUP C; Ataxia-telangiectasia, complementation group E. Identifiers: Orphanet 100, MedGen C0004135, MONDO:0008840, OMIM 208900.

Allele frequency attached by ClinVar (database versions not stated): ExAC 0.00009; gnomAD 0.00009 and 0.00011; gnomAD exomes 0.00011 and 0.00025; TOPMed 0.00012; 1000 Genomes Project 0.00060; 1000 Genomes Project 30x 0.00078.
gnomAD v4.1: 374 of 1,613,362 alleles (0.023%); highest among the groups gnomAD compares: Non-Finnish European, 0.03%; no homozygotes.

Submissions (16):

Labcorp Genetics (formerly Invitae), Labcorp
Classification: Likely benign for Ataxia-telangiectasia syndrome. Last evaluated: 2026-02-03. Review status: criteria provided, single submitter. Criteria: Invitae Variant Classification Sherloc (09022015). Collection method: clinical testing. Allele origin: germline.

Center for Genomic Medicine, Rigshospitalet, Copenhagen University Hospital
Classification: Likely benign. Last evaluated: 2025-12-29. Review status: criteria provided, single submitter. Criteria: ACMG Guidelines, 2015. Collection method: clinical testing. Allele origin: germline.
Comment: Classification criteria: BP4, BP7

Women's Health and Genetics/Laboratory Corporation of America, LabCorp
Classification: Benign. Last evaluated: 2025-10-03. Review status: criteria provided, single submitter. Criteria: LabCorp Variant Classification Summary - May 2015. Collection method: clinical testing. Allele origin: germline.

Blueprint Genetics
Classification: Likely benign. Last evaluated: 2024-10-23. Review status: criteria provided, single submitter. Criteria: ACMG Guidelines, 2015. Collection method: clinical testing. Allele origin: germline.

Athena Diagnostics
Classification: Likely benign. Last evaluated: 2024-06-03. Review status: criteria provided, single submitter. Criteria: Athena Diagnostics Criteria. Collection method: clinical testing. Allele origin: unknown.

Myriad Genetics, Inc.
Classification: Benign for Familial cancer of breast. Last evaluated: 2024-05-16. Review status: criteria provided, single submitter. Criteria: Myriad Autosomal Dominant, Autosomal Recessive and X-Linked Classification Criteria (2023). Collection method: clinical testing. Allele origin: unknown.
Comment: This variant is considered benign. This variant is a silent/synonymous amino acid change and it is not expected to impact splicing.

Institute for Biomarker Research, Medical Diagnostic Laboratories, L.L.C.
Classification: Benign for Hereditary cancer-predisposing syndrome. Last evaluated: 2024-02-27. Review status: criteria provided, single submitter. Criteria: ACMG Guidelines, 2015. Collection method: clinical testing. Allele origin: germline.

CeGaT Center for Human Genetics Tuebingen
Classification: Likely benign. Last evaluated: 2022-12-01. Review status: criteria provided, single submitter. Criteria: CeGaT Center For Human Genetics Tuebingen Variant Classification Criteria Version 2. Collection method: clinical testing. Allele origin: germline. Affected: yes. Observed: 1 variant allele.
Comment: ATM: BP4, BP7

Genetic Services Laboratory, University of Chicago
Classification: Likely benign. Last evaluated: 2021-11-22. Review status: criteria provided, single submitter. Criteria: ACMG Guidelines, 2015. Collection method: clinical testing. Allele origin: germline. Affected: no.

Quest Diagnostics Nichols Institute San Juan Capistrano
Classification: Likely benign. Last evaluated: 2021-10-14. Review status: criteria provided, single submitter. Criteria: Quest Diagnostics criteria. Collection method: clinical testing. Allele origin: unknown.

Sema4
Classification: Likely benign for Hereditary cancer-predisposing syndrome. Last evaluated: 2021-01-26. Review status: criteria provided, single submitter. Criteria: Sema4 Curation Guidelines. Collection method: curation. Allele origin: germline.

Mendelics
Classification: Likely benign for Ataxia-telangiectasia syndrome. Last evaluated: 2019-05-28. Review status: criteria provided, single submitter. Criteria: Mendelics Assertion Criteria 2017. Collection method: clinical testing. Allele origin: unknown.

Color Diagnostics, LLC DBA Color Health
Classification: Likely benign for Hereditary cancer-predisposing syndrome. Last evaluated: 2016-07-18. Review status: criteria provided, single submitter. Criteria: ACMG Guidelines, 2015. Collection method: clinical testing. Allele origin: germline.

Ambry Genetics
Classification: Benign for Hereditary cancer-predisposing syndrome. Last evaluated: 2014-10-10. Review status: criteria provided, single submitter. Criteria: Ambry Variant Classification Scheme 2023. Collection method: clinical testing. Allele origin: germline.

GeneDx
Classification: Benign. Last evaluated: 2014-03-13. Review status: criteria provided, single submitter. Criteria: GeneDx Variant Classification (06012015). Collection method: clinical testing. Allele origin: germline. Affected: yes.
Comment: This variant is considered likely benign or benign based on one or more of the following criteria: it is a conservative change, it occurs at a poorly conserved position in the protein, it is predicted to be benign by multiple in silico algorithms, and/or has population frequency not consistent with disease.

Department of Pathology and Laboratory Medicine, Sinai Health System
Classification: Benign. Review status: no assertion criteria provided. Collection method: clinical testing. Allele origin: unknown. Affected: yes. Study: The Canadian Open Genetics Repository (COGR). Not counted in ClinVar's aggregate classification.
Comment: The ATM p.Thr1389= variant was not identified in the literature nor was it identified in the Genesight-COGR, Cosmic, MutDB, LOVD 3.0, ATM-LOVD, databases. The variant was identified in dbSNP (ID: rs183214437) as â€šÃ„Ãºwith other alleleâ€šÃ„Ã¹, in ClinVar and Clinvitae databases as benign by GeneDx and Ambry Genetics; and likely benign by Invitae, and Color Genomics Inc.). The variant was identified in control databases in 29 of 277012 chromosomes at a frequency of 0.0001 in the following populations: African in 1 of 24024 chromosomes (freq. 0.00004), Latino in 7 of 34400 chromosomes (freq. 0.0002), European Non-Finnish in 18 of 126560 chromosomes (freq. 0.0001), Other in 3of 6458 chromosomes (freq. 0.0005), but was not seen in Ashkenazi Jewish, East Asian , European Finnish, and South Asian populations, increasing the likelihood this could be a low frequency benign variant (Genome Aggregation Consortium Feb 27, 2017). The p.Thr1389= variant is not expected to have clinical significance because it does not result in a change of amino acid and is not located in a known consensus splice site. In addition, in silico or computational prediction software programs (SpliceSiteFinder, MaxEntScan, NNSPLICE, GeneSplicer, HumanSpliceFinder) do not predict a difference in splicing. In summary, based on the above information this variant meets our laboratory's criteria to be classified as benign.

Literature cited by the submitters: PubMed 21933854 (cited by Women's Health and Genetics/Laboratory Corporation of America, LabCorp); PubMed 20305132 (cited by Women's Health and Genetics/Laboratory Corporation of America, LabCorp); PubMed 28779002 (cited by Athena Diagnostics).

NM_000051.4(ATM):c.4167A>G (p.Thr1389=)

Gene: ATM (ATM serine/threonine kinase; plus strand). Cytogenetic location: 11q22.3.
Variant type: single nucleotide variant.
Coding change: c.4167A>G on transcript NM_000051.4 (MANE Select); coding-DNA position 4167, A replaced by G.
Protein change: p.Thr1389=; no amino-acid change (threonine 1389 retained).
Molecular consequence: synonymous variant.
Genome position (GRCh38, 1-based): chr11:108,289,034, A>G. VCF-style: chr11-108289034-A-G. GRCh37 (hg19) VCF-style: chr11-108159761-A-G.
Other names: p.T1389T:ACA>ACG; c.4167A>G, p.Thr1389= (NM_001351834.2).
Identifiers: ClinVar variation 136445 (VCV000136445.54), dbSNP rs183214437, ClinGen allele CA289565.